The following is an entry in ClinVar:

ClinVar aggregate classification (germline): Likely pathogenic. Review status: criteria provided, multiple submitters, no conflicts (2 of 4 stars). 2 submissions from 2 submitters: Likely pathogenic (2). Last evaluated 2025-12-05.

Conditions:
VPS13A-related neurodegenerative disease. Also called: Chorea-acanthocytosis; Choreaacanthocytosis; VPS13A Disease; LEVINE-CRITCHLEY SYNDROME; ACANTHOCYTOSIS WITH NEUROLOGIC DISORDER; Choreoacanthocytosis. Identifiers: Orphanet 2388, MedGen C0393576, MONDO:0008695, OMIM 200150.

Allele frequency attached by ClinVar (database versions not stated): gnomAD exomes below 0.00001.
gnomAD v4.1: 1 of 1,613,208 alleles (0.000062%); highest among the groups gnomAD compares: African/African-American, 0.0013%; no homozygotes.

Submissions (2):

Myriad Genetics, Inc.
Classification: Likely pathogenic for VPS13A-related neurodegenerative disease. Last evaluated: 2025-12-05. Review status: criteria provided, single submitter. Criteria: Myriad Autosomal Dominant, Autosomal Recessive and X-Linked Classification Criteria (2023). Collection method: clinical testing. Allele origin: unknown.
Comment: NM_033305.2(VPS13A):c.8036-1G>A is a variant in a canonical splice site classified as likely pathogenic in the context of VPS13A disease. c.8036-1G>A has not been observed in cases with relevant disease. Relevant functional assessments of this variant are not available in the literature. c.8036-1G>A has not been observed in referenced population frequency databases. In summary, NM_033305.2(VPS13A):c.8036-1G>A is a variant in a canonical splice site in a gene where loss of function is a known mechanism of disease and is predicted to disrupt protein function. Please note: this variant was assessed in the context of healthy population screening.

Labcorp Genetics (formerly Invitae), Labcorp
Classification: Likely pathogenic. Last evaluated: 2024-01-05. Review status: criteria provided, single submitter. Criteria: Invitae Variant Classification Sherloc (09022015). Collection method: clinical testing. Allele origin: germline.
Comment: This sequence change affects an acceptor splice site in intron 57 of the VPS13A gene. It is expected to disrupt RNA splicing. Variants that disrupt the donor or acceptor splice site typically lead to a loss of protein function (PMID: 16199547), and loss-of-function variants in VPS13A are known to be pathogenic (PMID: 12404112, 21598378). This variant is not present in population databases (gnomAD no frequency). This variant has not been reported in the literature in individuals affected with VPS13A-related conditions. ClinVar contains an entry for this variant (Variation ID: 2130586). Algorithms developed to predict the effect of sequence changes on RNA splicing suggest that this variant may disrupt the consensus splice site. In summary, the currently available evidence indicates that the variant is pathogenic, but additional data are needed to prove that conclusively. Therefore, this variant has been classified as Likely Pathogenic.

Literature cited by the submitters: PubMed 16199547 (cited by Labcorp Genetics (formerly Invitae), Labcorp); PubMed 12404112 (cited by Labcorp Genetics (formerly Invitae), Labcorp); PubMed 21598378 (cited by Labcorp Genetics (formerly Invitae), Labcorp).

NM_033305.3(VPS13A):c.8036-1G>A

Gene: VPS13A (vacuolar protein sorting 13 homolog A; plus strand). Cytogenetic location: 9q21.2.
Variant type: single nucleotide variant.
Coding change: c.8036-1G>A on transcript NM_033305.3 (MANE Select); the canonical splice acceptor site of the intron before coding-DNA position 8036, G replaced by A.
Molecular consequence: splice acceptor variant.
Genome position (GRCh38, 1-based): chr9:77,359,332, G>A. VCF-style: chr9-77359332-G-A. GRCh37 (hg19) VCF-style: chr9-79974248-G-A.
Other names: c.7919-1G>A (NM_001018037.2); c.8036-1G>A (NM_015186.4, NM_001018038.3).
Identifiers: ClinVar variation 2130586 (VCV002130586.5), dbSNP rs2538157231, ClinGen allele CA373859900.
Genomic context (GRCh38, chr9:77,359,332, plus strand): 5'-AGAAAATGCCTAGCTTTTGCTTAAAGCATCATGGGAGTAATTATATTTATAACCTTTACA[G>A]CACCAAAGCCCTTTACAGATGTCAGTATTGTCATGAGATCTGCAGGACATTCCCAGATAT-3'